The following is an entry in ClinVar:

NM_017780.4(CHD7):c.4533+558C>G

Gene: CHD7 (chromodomain helicase DNA binding protein 7; plus strand). Cytogenetic location: 8q12.2.
Variant type: single nucleotide variant.
Coding change: c.4533+558C>G on transcript NM_017780.4 (MANE Select); 558 bases into the intron after coding-DNA position 4533, C replaced by G.
Molecular consequence: intron variant.
Genome position (GRCh38, 1-based): chr8:60,838,813, C>G. VCF-style: chr8-60838813-C-G. GRCh37 (hg19) VCF-style: chr8-61751372-C-G.
Other names: c.1717-23416C>G (NM_001316690.1).
Identifiers: ClinVar variation 4292947 (VCV004292947.1).
Genomic context (GRCh38, chr8:60,838,813, plus strand): 5'-GCTTCCAGCTTGCACCTGTTCCCTGCCTCTCTATCAGAGCTGCTCTGGCCAGGGTCACCA[C>G]TGAGTACACCAGATGGTTCCACCTGAGAGCCCCTTCTGAGGTTTCACCTGCATTTTGTTC-3'

ClinVar aggregate classification (germline): Uncertain significance (1 of 4 stars; one submission).

Conditions:
CHARGE syndrome (CHARGE). Also called: Hittner Hirsch Kreh syndrome; CHARGE ASSOCIATION--COLOBOMA, HEART ANOMALY, CHOANAL ATRESIA, RETARDATION, GENITAL AND EAR ANOMALIES; Coloboma, heart anomaly, choanal atresia, retardation, genital and ear anomalies; CHARGE association; Hall-Hittner syndrome. Identifiers: Orphanet 138, MedGen C0265354, MONDO:0008965.

Submission:

3billion
Classification: Uncertain significance for CHD7-related CHARGE syndrome. Last evaluated: 2024-11-07. Review status: criteria provided, single submitter. Criteria: ACMG Guidelines, 2015. Collection method: clinical testing. Allele origin: germline. Affected: yes.
Comment: The variant is not observed in the gnomAD v4.1.0 dataset. Predicted Consequence/Location: Intron variant In silico tools predict the variant to alter splicing and produce an abnormal transcript [SpliceAI: 0.33 (>=0.2, moderate evidence for spliceogenicity)]. Therefore, this variant is classified as VUS according to the recommendation of ACMG/AMP guideline.